The following is an entry in ClinVar:

NM_003640.5(ELP1):c.150+16A>G

Gene: ELP1 (elongator acetyltransferase complex subunit 1; minus strand). Cytogenetic location: 9q31.3.
Variant type: single nucleotide variant.
Coding change: c.150+16A>G on transcript NM_003640.5 (MANE Select); 16 bases into the intron after coding-DNA position 150, A replaced by G.
Molecular consequence: intron variant.
Genome position (GRCh38, 1-based): chr9:108,930,981, T>C on the plus strand (A>G on the coding strand, the complement: ELP1 is on the minus strand). VCF-style: chr9-108930981-T-C. GRCh37 (hg19) VCF-style: chr9-111693261-T-C.
Other names: c.150+16A>G (LRG_251t1); c.-193+16A>G (NM_001318360.2); c.-710+16A>G (NM_001330749.2).
Identifiers: ClinVar variation 511396 (VCV000511396.11), dbSNP rs148164198, ClinGen allele CA5175455.

ClinVar aggregate classification (germline): Likely benign. Review status: criteria provided, multiple submitters, no conflicts (2 of 4 stars). 4 submissions from 4 submitters: Likely benign (4). Last evaluated 2026-01-24.

Allele frequency attached by ClinVar (database versions not stated): gnomAD 0.00010 and 0.00007; TOPMed 0.00011; 1000 Genomes Project 30x 0.00016; gnomAD exomes 0.00016 and 0.00018; 1000 Genomes Project 0.00020; ExAC 0.00023; ESP Exome Variant Server 0.00038.
gnomAD v4.1: 260 of 1,613,960 alleles (0.016%); highest among the groups gnomAD compares: Middle Eastern, 0.16%; no homozygotes.

Submissions (4):

Labcorp Genetics (formerly Invitae), Labcorp
Classification: Likely benign. Last evaluated: 2026-01-24. Review status: criteria provided, single submitter. Criteria: Invitae Variant Classification Sherloc (09022015). Collection method: clinical testing. Allele origin: germline.

Blueprint Genetics
Classification: Likely benign. Last evaluated: 2024-11-18. Review status: criteria provided, single submitter. Criteria: ACMG Guidelines, 2015. Collection method: clinical testing. Allele origin: germline.

GeneDx
Classification: Likely benign. Last evaluated: 2017-08-16. Review status: criteria provided, single submitter. Criteria: GeneDx Variant Classification (06012015). Collection method: clinical testing. Allele origin: germline. Affected: yes.
Comment: This variant is considered likely benign or benign based on one or more of the following criteria: it is a conservative change, it occurs at a poorly conserved position in the protein, it is predicted to be benign by multiple in silico algorithms, and/or has population frequency not consistent with disease.

Breakthrough Genomics
Classification: Likely benign. Review status: criteria provided, single submitter. Criteria: ACMG Guidelines, 2015. Collection method: not provided. Allele origin: germline. Inheritance: Autosomal recessive inheritance. Affected: yes.